The following is an entry in ClinVar:

ClinVar aggregate classification (germline): Uncertain significance. Review status: criteria provided, multiple submitters, no conflicts (2 of 4 stars). 2 submissions from 2 submitters: Uncertain significance (2). Last evaluated 2025-10-02.

Conditions:
Polymicrogyria with or without vascular-type Ehlers-Danlos syndrome. Identifiers: Orphanet 636941, MedGen C5193040, MONDO:0032688, OMIM 618343.
Ehlers-Danlos syndrome, type 4 (EDSVASC). Also called: Ehlers-Danlos syndrome vascular type; Ehlers Danlos syndrome, ecchymotic type; Ehlers Danlos syndrome, arterial type; Ehlers Danlos syndrome, Sack-Barabas type; Ehlers-Danlos Syndrome Type IV. Identifiers: Orphanet 286, MedGen C0268338, MONDO:0017314, OMIM 130050.

Allele frequency attached by ClinVar (database versions not stated): gnomAD 0.00001; gnomAD exomes 0.00001.
gnomAD v4.1: 4 of 1,614,022 alleles (0.00025%); highest among the groups gnomAD compares: East Asian, 0.0089%; no homozygotes.

Submissions (2):

Labcorp Genetics (formerly Invitae), Labcorp
Classification: Uncertain significance for Ehlers-Danlos syndrome, type 4. Last evaluated: 2025-10-02. Review status: criteria provided, single submitter. Criteria: Invitae Variant Classification Sherloc (09022015). Collection method: clinical testing. Allele origin: germline.
Comment: This sequence change replaces aspartic acid, which is acidic and polar, with glycine, which is neutral and non-polar, at codon 1348 of the COL3A1 protein (p.Asp1348Gly). This variant is not present in population databases (gnomAD no frequency). This variant has not been reported in the literature in individuals affected with COL3A1-related conditions. ClinVar contains an entry for this variant (Variation ID: 962640). Invitae Evidence Modeling of protein sequence and biophysical properties (such as structural, functional, and spatial information, amino acid conservation, physicochemical variation, residue mobility, and thermodynamic stability) indicates that this missense variant is not expected to disrupt COL3A1 protein function with a negative predictive value of 95%. In summary, the available evidence is currently insufficient to determine the role of this variant in disease. Therefore, it has been classified as a Variant of Uncertain Significance.

Fulgent Genetics
Classification: Uncertain significance for Ehlers-Danlos syndrome, type 4; Polymicrogyria with or without vascular-type Ehlers-Danlos syndrome. Last evaluated: 2021-09-24. Review status: criteria provided, single submitter. Criteria: ACMG Guidelines, 2015. Collection method: clinical testing. Allele origin: unknown.

NM_000090.4(COL3A1):c.4043A>G (p.Asp1348Gly)

Gene: COL3A1 (collagen type III alpha 1 chain; plus strand). Cytogenetic location: 2q32.2.
Variant type: single nucleotide variant.
Coding change: c.4043A>G on transcript NM_000090.4 (MANE Select); coding-DNA position 4043, A replaced by G.
Protein change: p.Asp1348Gly; replaces aspartic acid 1348 with glycine.
Molecular consequence: missense variant.
Genome position (GRCh38, 1-based): chr2:189,010,679, A>G. VCF-style: chr2-189010679-A-G. GRCh37 (hg19) VCF-style: chr2-189875405-A-G.
Other names: short protein forms D1348G.
Identifiers: ClinVar variation 962640 (VCV000962640.11), dbSNP rs1688703417, ClinGen allele CA349849223.